The following is an entry in ClinVar:

ClinVar aggregate classification (germline): Pathogenic (1 of 4 stars; one submission).

Conditions:
Osteogenesis imperfecta type I (OI1). Also called: Lobstein disease; Classic Non-deforming Osteogenesis Imperfecta with Blue Sclerae; OI, TYPE I; OSTEOGENESIS IMPERFECTA TARDA; OSTEOGENESIS IMPERFECTA WITH BLUE SCLERAE; Osteogenesis imperfecta type 1. Identifiers: Orphanet 216796, Orphanet 666, MedGen C0023931, MONDO:0008146, OMIM 166200. Disease mechanism: loss of function.

Submission:

Labcorp Genetics (formerly Invitae), Labcorp
Classification: Pathogenic for Osteogenesis imperfecta type I. Last evaluated: 2025-09-09. Review status: criteria provided, single submitter. Criteria: Invitae Variant Classification Sherloc (09022015). Collection method: clinical testing. Allele origin: germline.
Comment: This sequence change creates a premature translational stop signal (p.Pro849Serfs*7) in the COL1A1 gene. It is expected to result in an absent or disrupted protein product. Loss-of-function variants in COL1A1 are known to be pathogenic (PMID: 7942841, 9295084, 9443882). This variant is not present in population databases (gnomAD no frequency). This variant has not been reported in the literature in individuals affected with COL1A1-related conditions. For these reasons, this variant has been classified as Pathogenic.

Literature cited by the submitters: PubMed 7942841; PubMed 9295084; PubMed 9443882.

NM_000088.4(COL1A1):c.2544_2545insT (p.Pro849fs)

Gene: COL1A1 (collagen type I alpha 1 chain; minus strand). Cytogenetic location: 17q21.33.
Variant type: Insertion.
Coding change: c.2544_2545insT on transcript NM_000088.4 (MANE Select); coding-DNA positions 2544 to 2545, T inserted.
Protein change: p.Pro849fs; shifts the reading frame from proline 849.
Molecular consequence: frameshift variant.
Genome position: GRCh38 VCF-style: chr17-50190015-G-GA. GRCh37 (hg19) VCF-style: chr17-48267376-G-GA.
Other names: short protein forms P849fs.
Identifiers: ClinVar variation 4726627 (VCV004726627.1).